The following is an entry in ClinVar:

NM_178857.6(RP1L1):c.4177G>A (p.Gly1393Ser)

Gene: RP1L1 (RP1 like 1). Cytogenetic location: 8p23.1.
Variant type: single nucleotide variant.
Coding change: c.4177G>A on transcript NM_178857.6 (MANE Select); coding-DNA position 4177, G replaced by A.
Protein change: p.Gly1393Ser; replaces glycine 1393 with serine.
Molecular consequence: missense variant.
Genome position (GRCh38, 1-based): chr8:10,609,921, C>T on the plus strand (G>A on the coding strand, the complement: RP1L1 is on the minus strand). VCF-style: chr8-10609921-C-T. GRCh37 (hg19) VCF-style: chr8-10467431-C-T.
Other names: short protein forms G1393S.
Identifiers: ClinVar variation 1312426 (VCV001312426.2), dbSNP rs762439244, ClinGen allele CA370286690.

ClinVar aggregate classification (germline): Uncertain significance (1 of 4 stars; one submission).

Submission:

GeneDx
Classification: Uncertain significance. Last evaluated: 2019-09-18. Review status: criteria provided, single submitter. Criteria: GeneDx Variant Classification Process June 2021. Collection method: clinical testing. Allele origin: germline. Affected: yes.
Comment: Not observed in large population cohorts (Lek et al., 2016); In silico analysis, which includes protein predictors and evolutionary conservation, supports that this variant does not alter protein structure/function; Has not been previously published as pathogenic or benign to our knowledge